The following is an entry in ClinVar:

NM_170606.3(KMT2C):c.8135T>C (p.Leu2712Ser)

Gene: KMT2C (lysine methyltransferase 2C; minus strand). Cytogenetic location: 7q36.1.
Variant type: single nucleotide variant.
Coding change: c.8135T>C on transcript NM_170606.3 (MANE Select); coding-DNA position 8135, T replaced by C.
Protein change: p.Leu2712Ser; replaces leucine 2712 with serine.
Molecular consequence: missense variant.
Genome position (GRCh38, 1-based): chr7:152,177,318, A>G on the plus strand (T>C on the coding strand, the complement: KMT2C is on the minus strand). VCF-style: chr7-152177318-A-G. GRCh37 (hg19) VCF-style: chr7-151874403-A-G.
Other names: short protein forms L2712S.
Identifiers: ClinVar variation 4082603 (VCV004082603.1).

ClinVar aggregate classification (germline): Uncertain significance (1 of 4 stars; one submission).

Submission:

GeneDx
Classification: Uncertain significance. Last evaluated: 2025-03-03. Review status: criteria provided, single submitter. Criteria: GeneDx Variant Classification Process June 2021. Collection method: clinical testing. Allele origin: germline. Affected: yes.
Comment: Not observed at significant frequency in large population cohorts (gnomAD); In silico analysis supports that this missense variant has a deleterious effect on protein structure/function; Has not been previously published as pathogenic or benign to our knowledge